The following is an entry in ClinVar:

NM_018979.4(WNK1):c.6199A>G (p.Ile2067Val)

Gene: WNK1 (WNK lysine deficient protein kinase 1; plus strand). Cytogenetic location: 12p13.33.
Variant type: single nucleotide variant.
Coding change: c.6199A>G on transcript NM_018979.4 (MANE Select); coding-DNA position 6199, A replaced by G.
Protein change: p.Ile2067Val; replaces isoleucine 2067 with valine.
Molecular consequence: missense variant.
Genome position (GRCh38, 1-based): chr12:896,686, A>G. VCF-style: chr12-896686-A-G. GRCh37 (hg19) VCF-style: chr12-1005852-A-G.
Other names: c.6979A>G, p.Ile2327Val (NM_001184985.2); c.5455A>G, p.Ile1819Val (NM_014823.3); c.6955A>G, p.Ile2319Val (NM_213655.5); short protein forms I1819V, I2067V, I2319V, I2327V.
Identifiers: ClinVar variation 1057135 (VCV001057135.9), dbSNP rs374523969, ClinGen allele CA6383349.

ClinVar aggregate classification (germline): Uncertain significance (1 of 4 stars; one submission).

Conditions:
Neuropathy, hereditary sensory and autonomic, type 2A (HSAN2A). Also called: MORVAN DISEASE; NEUROPATHY, CONGENITAL SENSORY; NEUROPATHY, HEREDITARY SENSORY RADICULAR, AUTOSOMAL RECESSIVE; NEUROPATHY, HEREDITARY SENSORY, TYPE IIA; NEUROPATHY, PROGRESSIVE SENSORY, OF CHILDREN; WNK1-Related HSAN2 (HSAN2A). Identifiers: Orphanet 970, MedGen C2752089, MONDO:0024309, OMIM 201300.
Pseudohypoaldosteronism type 2C (PHA2C). Also called: Pseudohypoaldosteronism Type IIC. Identifiers: Orphanet 757, Orphanet 88940, MedGen C1840391, MONDO:0013778, OMIM 614492.

Allele frequency attached by ClinVar (database versions not stated): gnomAD 0.00003 and 0.00001; 1000 Genomes Project 0.00020; 1000 Genomes Project 30x 0.00047; ExAC 0.00001; gnomAD exomes 0.00001 and 0.00002.
gnomAD v4.1: 17 of 1,610,434 alleles (0.0011%); highest among the groups gnomAD compares: South Asian, 0.011%; no homozygotes.

Submission:

Labcorp Genetics (formerly Invitae), Labcorp
Classification: Uncertain significance for Neuropathy, hereditary sensory and autonomic, type 2A; Pseudohypoaldosteronism type 2C. Last evaluated: 2025-12-08. Review status: criteria provided, single submitter. Criteria: Invitae Variant Classification Sherloc (09022015). Collection method: clinical testing. Allele origin: germline.
Comment: This sequence change replaces isoleucine, which is neutral and non-polar, with valine, which is neutral and non-polar, at codon 2319 of the WNK1 protein (p.Ile2319Val). This variant is present in population databases (rs374523969, gnomAD 0.01%). This variant has not been reported in the literature in individuals affected with WNK1-related conditions. ClinVar contains an entry for this variant (Variation ID: 1057135). Invitae Evidence Modeling of protein sequence and biophysical properties (such as structural, functional, and spatial information, amino acid conservation, physicochemical variation, residue mobility, and thermodynamic stability) indicates that this missense variant is not expected to disrupt WNK1 protein function with a negative predictive value of 95%. In summary, the available evidence is currently insufficient to determine the role of this variant in disease. Therefore, it has been classified as a Variant of Uncertain Significance.